The following is an entry in ClinVar:

ClinVar aggregate classification (germline): Uncertain significance (1 of 4 stars; one submission).

Conditions:
Neurodevelopmental disorder with speech impairment and with or without seizures. Also called: Neurodevelopmental disorder with variable intellectual disability and speech impairment, with or without seizures. Identifiers: MedGen C5774252, MONDO:0859313, OMIM 620114.

Submission:

Juno Genomics, Hangzhou Juno Genomics, Inc
Classification: Uncertain significance for Neurodevelopmental disorder with speech impairment and with or without seizures. Review status: criteria provided, single submitter. Criteria: ACMG Guidelines, 2015. Collection method: clinical testing. Allele origin: germline. Affected: yes.
Comment: Absent from controls (or at extremely low frequency if recessive) in Genome Aggregation Database, Exome Sequencing Project, 1000 Genomes Project, or Exome Aggregation Consortium.;Multiple lines of computational evidence support a deleterious effect on the gene or gene product (conservation, evolutionary, splicing impact, etc).;Missense variant in a gene that has a low rate of benign missense variation and where missense variants are a common mechanism of disease.

NM_021096.4(CACNA1I):c.587G>A (p.Arg196Gln)

Gene: CACNA1I (calcium voltage-gated channel subunit alpha1 I; plus strand). Cytogenetic location: 22q13.1.
Variant type: single nucleotide variant.
Coding change: c.587G>A on transcript NM_021096.4 (MANE Select); coding-DNA position 587, G replaced by A.
Protein change: p.Arg196Gln; replaces arginine 196 with glutamine.
Molecular consequence: missense variant.
Genome position (GRCh38, 1-based): chr22:39,634,571, G>A. VCF-style: chr22-39634571-G-A. GRCh37 (hg19) VCF-style: chr22-40030576-G-A.
Other names: c.587G>A, p.Arg196Gln (NM_001003406.2); short protein forms R196Q.
Identifiers: ClinVar variation 4072430 (VCV004072430.2).